The following is an entry in ClinVar:

NM_001020658.2(PUM1):c.2792A>G (p.Gln931Arg)

Gene: PUM1 (pumilio RNA binding family member 1; minus strand). Cytogenetic location: 1p35.2.
Variant type: single nucleotide variant.
Coding change: c.2792A>G on transcript NM_001020658.2 (MANE Select); coding-DNA position 2792, A replaced by G.
Protein change: p.Gln931Arg; replaces glutamine 931 with arginine.
Molecular consequence: missense variant.
Genome position (GRCh38, 1-based): chr1:30,950,191, T>C on the plus strand (A>G on the coding strand, the complement: PUM1 is on the minus strand). VCF-style: chr1-30950191-T-C. GRCh37 (hg19) VCF-style: chr1-31423038-T-C.
Other names: c.2792A>G, p.Gln931Arg (NM_014676.3); short protein forms Q931R.
Identifiers: ClinVar variation 3365457 (VCV003365457.1).

ClinVar aggregate classification (germline): Uncertain significance (1 of 4 stars; one submission).

gnomAD v4.1: 1 of 1,614,148 alleles (0.000062%); no homozygotes.

Submission:

GeneDx
Classification: Uncertain significance. Last evaluated: 2023-12-12. Review status: criteria provided, single submitter. Criteria: GeneDx Variant Classification Process June 2021. Collection method: clinical testing. Allele origin: germline. Affected: yes.
Comment: Not observed at significant frequency in large population cohorts (gnomAD); In silico analysis supports that this missense variant has a deleterious effect on protein structure/function; Has not been previously published as pathogenic or benign to our knowledge